The following is an entry in ClinVar:

ClinVar aggregate classification (germline): Uncertain significance (1 of 4 stars; one submission).

Submission:

Labcorp Genetics (formerly Invitae), Labcorp
Classification: Uncertain significance. Last evaluated: 2025-09-16. Review status: criteria provided, single submitter. Criteria: Invitae Variant Classification Sherloc (09022015). Collection method: clinical testing. Allele origin: germline.
Comment: This sequence change replaces proline, which is neutral and non-polar, with serine, which is neutral and polar, at codon 176 of the RELA protein (p.Pro176Ser). This variant is not present in population databases (gnomAD no frequency). This variant has not been reported in the literature in individuals affected with RELA-related conditions. An algorithm developed to predict the effect of missense changes on protein structure and function outputs the following: PolyPhen-2: "Benign". The serine amino acid residue is found in multiple mammalian species, which suggests that this missense change does not adversely affect protein function. In summary, the available evidence is currently insufficient to determine the role of this variant in disease. Therefore, it has been classified as a Variant of Uncertain Significance.

NM_021975.4(RELA):c.526C>T (p.Pro176Ser)

Gene: RELA (RELA proto-oncogene, NF-kB subunit; minus strand). Cytogenetic location: 11q13.1.
Variant type: single nucleotide variant.
Coding change: c.526C>T on transcript NM_021975.4 (MANE Select); coding-DNA position 526, C replaced by T.
Protein change: p.Pro176Ser; replaces proline 176 with serine.
Molecular consequence: missense variant.
Genome position (GRCh38, 1-based): chr11:65,659,699, G>A on the plus strand (C>T on the coding strand, the complement: RELA is on the minus strand). VCF-style: chr11-65659699-G-A. GRCh37 (hg19) VCF-style: chr11-65427170-G-A.
Other names: c.517C>T, p.Pro173Ser (NM_001145138.2); c.526C>T, p.Pro176Ser (NM_001243984.2, NM_001243985.2, NM_001404659.1 and 1 more transcripts); c.559C>T, p.Pro187Ser (NM_001404657.1); c.499C>T, p.Pro167Ser (NM_001404658.1); c.145C>T, p.Pro49Ser (NM_001404661.1); c.433C>T, p.Pro145Ser (NM_001404662.1, NM_001404663.1); short protein forms P173S, P49S, P167S, P187S, P145S, P176S.
Identifiers: ClinVar variation 4780752 (VCV004780752.1).